The following is an entry in ClinVar:

NM_001122769.3(LCA5):c.845A>G (p.Tyr282Cys)

Gene: LCA5 (lebercilin LCA5; minus strand). Cytogenetic location: 6q14.1.
Variant type: single nucleotide variant.
Coding change: c.845A>G on transcript NM_001122769.3 (MANE Select); coding-DNA position 845, A replaced by G.
Protein change: p.Tyr282Cys; replaces tyrosine 282 with cysteine.
Molecular consequence: missense variant.
Genome position (GRCh38, 1-based): chr6:79,493,626, T>C on the plus strand (A>G on the coding strand, the complement: LCA5 is on the minus strand). VCF-style: chr6-79493626-T-C. GRCh37 (hg19) VCF-style: chr6-80203343-T-C.
Other names: c.845A>G, p.Tyr282Cys (NM_181714.4); c.845A>G (NM_181714.3); short protein forms Y282C.
Identifiers: ClinVar variation 2141286 (VCV002141286.4), dbSNP rs372604394, ClinGen allele CA3901012.
Genomic context (GRCh38, chr6:79,493,626, plus strand): 5'-TTCGTCTAATACACATTATGGAAAACAATGCAATTTAAAATACTTACCTTTAATTTGTGA[T>C]ATAGTCGCTGTACCTCCTTTTGAAGAACTTTATTTTCATCATGAGCCTCATATGCCCTTT-3'
Protein context (NP_001116241.1, residues 272-292): KVLQKEVQRL[Tyr282Cys]HKLKEKEREL

ClinVar aggregate classification (germline): Uncertain significance. Review status: criteria provided, multiple submitters, no conflicts (2 of 4 stars). 3 submissions from 3 submitters: Uncertain significance (3). Last evaluated 2025-06-24.

Conditions:
Inborn genetic diseases. Identifiers: MedGen C0950123, MeSH D030342.

Allele frequency attached by ClinVar (database versions not stated): ExAC 0.00002; TOPMed 0.00005; gnomAD 0.00007; ESP Exome Variant Server 0.00008; gnomAD exomes 0.00008.
gnomAD v4.1: 117 of 1,613,196 alleles (0.0073%); highest among the groups gnomAD compares: Non-Finnish European, 0.0098%; no homozygotes.

Submissions (3):

Ambry Genetics
Classification: Uncertain significance for Inborn genetic diseases. Last evaluated: 2025-06-24. Review status: criteria provided, single submitter. Criteria: Ambry Variant Classification Scheme 2023. Collection method: clinical testing. Allele origin: germline.

Labcorp Genetics (formerly Invitae), Labcorp
Classification: Uncertain significance. Last evaluated: 2024-11-05. Review status: criteria provided, single submitter. Criteria: Invitae Variant Classification Sherloc (09022015). Collection method: clinical testing. Allele origin: germline.
Comment: This sequence change replaces tyrosine, which is neutral and polar, with cysteine, which is neutral and slightly polar, at codon 282 of the LCA5 protein (p.Tyr282Cys). This variant is present in population databases (rs372604394, gnomAD 0.007%). This variant has not been reported in the literature in individuals affected with LCA5-related conditions. ClinVar contains an entry for this variant (Variation ID: 2141286). Invitae Evidence Modeling of protein sequence and biophysical properties (such as structural, functional, and spatial information, amino acid conservation, physicochemical variation, residue mobility, and thermodynamic stability) indicates that this missense variant is not expected to disrupt LCA5 protein function with a negative predictive value of 80%. In summary, the available evidence is currently insufficient to determine the role of this variant in disease. Therefore, it has been classified as a Variant of Uncertain Significance.

Blueprint Genetics
Classification: Uncertain significance. Last evaluated: 2024-09-17. Review status: criteria provided, single submitter. Criteria: ACMG Guidelines, 2015. Collection method: clinical testing. Allele origin: germline.